The following is an entry in ClinVar:

ClinVar aggregate classification (germline): Pathogenic (1 of 4 stars; one submission).

Submission:

GeneDx
Classification: Pathogenic. Last evaluated: 2025-03-21. Review status: criteria provided, single submitter. Criteria: GeneDx Variant Classification Process June 2021. Collection method: clinical testing. Allele origin: germline.
Comment: Nonsense variant predicted to result in protein truncation or nonsense mediated decay in a gene for which loss of function is a known mechanism of disease; Not observed at significant frequency in large population cohorts (gnomAD); Has not been previously published as pathogenic or benign to our knowledge

NM_001370100.5(ZMYND11):c.946C>T (p.Gln316Ter)

Gene: ZMYND11 (zinc finger MYND-type containing 11; plus strand). Cytogenetic location: 10p15.3.
Variant type: single nucleotide variant.
Coding change: c.946C>T on transcript NM_001370100.5 (MANE Select); coding-DNA position 946, C replaced by T.
Protein change: p.Gln316Ter; replaces glutamine 316 with a stop codon.
Molecular consequence: nonsense. On other transcripts: non-coding transcript variant (1).
Genome position (GRCh38, 1-based): chr10:242,135, C>T. VCF-style: chr10-242135-C-T. GRCh37 (hg19) VCF-style: chr10-288075-C-T.
Other names: c.946C>T, p.Gln316Ter (NM_001370097.3, NM_001370098.2, NM_001370099.2 and 5 more transcripts); c.784C>T, p.Gln262Ter (NM_001370103.2, NM_001370104.2, NM_001370105.2 and 6 more transcripts); c.880C>T, p.Gln294Ter (NM_001370116.2); c.826C>T, p.Gln276Ter (NM_001370118.2); c.868C>T, p.Gln290Ter (NM_001370119.2); c.718C>T, p.Gln240Ter (NM_001370120.2); c.664C>T, p.Gln222Ter (NM_001370121.2); c.640C>T, p.Gln214Ter (NM_001370122.2); and 7 more; short protein forms Q159*, Q197*, Q214*, Q222*, Q231*, Q240*, Q261*, Q262*.
Identifiers: ClinVar variation 3340629 (VCV003340629.2).